The following is an entry in ClinVar:

ClinVar aggregate classification (germline): Likely benign (1 of 4 stars; one submission).

gnomAD v4.1: 70 of 1,614,114 alleles (0.0043%); highest among the groups gnomAD compares: East Asian, 0.027%; no homozygotes.

Submission:

CeGaT Center for Human Genetics Tuebingen
Classification: Likely benign. Last evaluated: 2026-06-01. Review status: criteria provided, single submitter. Criteria: CeGaT Center For Human Genetics Tuebingen Variant Classification Criteria Version 2. Collection method: clinical testing. Allele origin: germline. Affected: yes. Observed: 1 variant allele.
Comment: HERC2: BP4, BP7

NM_004667.6(HERC2):c.2238C>T (p.Arg746=)

Gene: HERC2 (HECT and RLD domain containing E3 ubiquitin protein ligase 2; minus strand). Cytogenetic location: 15q13.1.
Variant type: single nucleotide variant.
Coding change: c.2238C>T on transcript NM_004667.6 (MANE Select); coding-DNA position 2238, C replaced by T.
Protein change: p.Arg746=; no amino-acid change (arginine 746 retained).
Molecular consequence: synonymous variant.
Genome position (GRCh38, 1-based): chr15:28,260,855, G>A on the plus strand (C>T on the coding strand, the complement: HERC2 is on the minus strand). VCF-style: chr15-28260855-G-A. GRCh37 (hg19) VCF-style: chr15-28506001-G-A.
Identifiers: ClinVar variation 4874038 (VCV004874038.2).